The following is an entry in ClinVar:

ClinVar aggregate classification (germline): Uncertain significance (1 of 4 stars; one submission).

Conditions:
Peroxisome biogenesis disorder 12A (Zellweger). Also called: Peroxisome biogenesis disorder 12A. Identifiers: Orphanet 912, MedGen C3554002, MONDO:0013951, OMIM 614886.

Allele frequency attached by ClinVar (database versions not stated): gnomAD exomes below 0.00001.
gnomAD v4.1: 1 of 1,613,752 alleles (0.000062%); highest among the groups gnomAD compares: Admixed American, 0.0017%; no homozygotes.

Submission:

Labcorp Genetics (formerly Invitae), Labcorp
Classification: Uncertain significance for Peroxisome biogenesis disorder 12A (Zellweger). Last evaluated: 2021-01-20. Review status: criteria provided, single submitter. Criteria: Invitae Variant Classification Sherloc (09022015). Collection method: clinical testing. Allele origin: germline.
Comment: This sequence change replaces cysteine with tyrosine at codon 296 of the PEX19 protein (p.Cys296Tyr). The cysteine residue is highly conserved and there is a large physicochemical difference between cysteine and tyrosine. This variant is not present in population databases (ExAC no frequency). This variant has not been reported in the literature in individuals with PEX19-related conditions. Algorithms developed to predict the effect of missense changes on protein structure and function are either unavailable or do not agree on the potential impact of this missense change (SIFT: "Deleterious"; PolyPhen-2: "Probably Damaging"; Align-GVGD: "Class C0"). In summary, the available evidence is currently insufficient to determine the role of this variant in disease. Therefore, it has been classified as a Variant of Uncertain Significance.

NM_002857.4(PEX19):c.887G>A (p.Cys296Tyr)

Gene: PEX19 (peroxisomal biogenesis factor 19; minus strand). Cytogenetic location: 1q23.2.
Variant type: single nucleotide variant.
Coding change: c.887G>A on transcript NM_002857.4 (MANE Select); coding-DNA position 887, G replaced by A.
Protein change: p.Cys296Tyr; replaces cysteine 296 with tyrosine.
Molecular consequence: missense variant. On other transcripts: non-coding transcript variant (2).
Genome position (GRCh38, 1-based): chr1:160,279,564, C>T on the plus strand (G>A on the coding strand, the complement: PEX19 is on the minus strand). VCF-style: chr1-160279564-C-T. GRCh37 (hg19) VCF-style: chr1-160249354-C-T.
Other names: c.835G>A, p.Val279Ile (NM_001193644.1); short protein forms C296Y, V279I.
Identifiers: ClinVar variation 1346893 (VCV001346893.8), dbSNP rs1326449698, ClinGen allele CA343255060.